The following is an entry in ClinVar:

ClinVar aggregate classification (germline): Conflicting classifications of pathogenicity. Review status: criteria provided, conflicting classifications (1 of 4 stars). 3 submissions from 3 submitters: Uncertain significance (2); Likely benign (1). Last evaluated 2026-06-15.

Conditions:
Familial temporal lobe epilepsy 5. Identifiers: MedGen C3280730, MONDO:0013741, OMIM 614417.
Febrile seizures, familial, 11 (FEB11). Also called: CONVULSIONS, FAMILIAL FEBRILE, 11. Identifiers: MedGen C3280734, MONDO:0024566, OMIM 614418.

Allele frequency attached by ClinVar (database versions not stated): gnomAD exomes 0.00004 and 0.00013; 1000 Genomes Project 30x 0.00047; gnomAD 0.00048 and 0.00052; ExAC 0.00013; 1000 Genomes Project 0.00060; ESP Exome Variant Server 0.00046; TOPMed 0.00063.
gnomAD v4.1: 146 of 1,613,740 alleles (0.009%); highest among the groups gnomAD compares: African/African-American, 0.15%; no homozygotes.

Submissions (3):

Women's Health and Genetics/Laboratory Corporation of America, LabCorp
Classification: Uncertain significance. Last evaluated: 2026-06-15. Review status: criteria provided, single submitter. Criteria: LabCorp Variant Classification Summary - May 2015. Collection method: clinical testing. Allele origin: germline.
Comment: Variant summary: CPA6 c.759G>A (p.Trp253X) results in a premature termination codon, predicted to cause a truncation of the encoded protein or absence of the protein due to nonsense mediated decay, however current evidence is not sufficient to establish loss of function as a mechanism for disease. The variant allele was found at a frequency of 0.00013 in 251394 control chromosomes. This frequency is not significantly higher than estimated for disease-causing variants in CPA6, allowing no conclusion about variant significance. To our knowledge, no occurrence of c.759G>A in individuals affected with CPA6-related conditions and no experimental evidence demonstrating its impact on protein function have been reported. ClinVar contains an entry for this variant (Variation ID: 539979). Based on the evidence outlined above, the variant was classified as uncertain significance.

Labcorp Genetics (formerly Invitae), Labcorp
Classification: Likely benign for Febrile seizures, familial, 11. Last evaluated: 2025-09-21. Review status: criteria provided, single submitter. Criteria: Invitae Variant Classification Sherloc (09022015). Collection method: clinical testing. Allele origin: germline.

Genomic Medicine Center of Excellence, King Faisal Specialist Hospital and Research Centre
Classification: Uncertain significance for Familial temporal lobe epilepsy 5. Last evaluated: 2025-09-10. Review status: criteria provided, single submitter. Criteria: ACMG Guidelines, 2015. Collection method: clinical testing. Allele origin: germline.

NM_020361.5(CPA6):c.759G>A (p.Trp253Ter)

Genes: ARFGEF1-DT (ARFGEF1 divergent transcript; plus strand), CPA6 (carboxypeptidase A6; minus strand). Cytogenetic location: 8q13.2.
Variant type: single nucleotide variant.
Coding change: c.759G>A on transcript NM_020361.5 (MANE Select); coding-DNA position 759, G replaced by A.
Protein change: p.Trp253Ter; replaces tryptophan 253 with a stop codon.
Molecular consequence: nonsense.
Genome position (GRCh38, 1-based): chr8:67,483,847, C>T on the plus strand (G>A on the coding strand, the complement: CPA6 is on the minus strand). VCF-style: chr8-67483847-C-T. GRCh37 (hg19) VCF-style: chr8-68396082-C-T.
Other names: short protein forms W253*.
Identifiers: ClinVar variation 539979 (VCV000539979.19), dbSNP rs139178030, ClinGen allele CA4772854.